The following is an entry in ClinVar:

NM_002018.4(FLII):c.2873A>C (p.Lys958Thr)

Gene: FLII (FLII actin remodeling protein; minus strand). Cytogenetic location: 17p11.2.
Variant type: single nucleotide variant.
Coding change: c.2873A>C on transcript NM_002018.4 (MANE Select); coding-DNA position 2873, A replaced by C.
Protein change: p.Lys958Thr; replaces lysine 958 with threonine.
Molecular consequence: missense variant.
Genome position (GRCh38, 1-based): chr17:18,246,772, T>G on the plus strand (A>C on the coding strand, the complement: FLII is on the minus strand). VCF-style: chr17-18246772-T-G. GRCh37 (hg19) VCF-style: chr17-18150086-T-G.
Other names: c.2840A>C, p.Lys947Thr (NM_001256264.2); c.2708A>C, p.Lys903Thr (NM_001256265.2); short protein forms K958T, K903T, K947T.
Identifiers: ClinVar variation 2306782 (VCV002306782.27), dbSNP rs200455487, ClinGen allele CA8427905.
Genomic context (GRCh38, chr17:18,246,772, plus strand): 5'-TCCTCTGGCTGCTTCTCCTCTGCCTCAGCGGTTGCTTCCTCGCCTTCTTTGCCCTCGGCC[T>G]TCTCCTCCTTGTCTTCCTTCTTTTCCTCCTCCTCGTACTCCACAGGCACCCAGTACCTGC-3'
Protein context (NP_002009.1, residues 948-968): EEEKKEDKEE[Lys958Thr]AEGKEGEEAT

ClinVar aggregate classification (germline): Conflicting classifications of pathogenicity. Review status: criteria provided, conflicting classifications (1 of 4 stars). 2 submissions from 2 submitters: Uncertain significance (1); Likely benign (1). Last evaluated 2024-07-22.

Allele frequency attached by ClinVar (database versions not stated): gnomAD 0.00006; gnomAD exomes 0.00009; TOPMed 0.00010; ExAC 0.00016.
gnomAD v4.1: 138 of 1,613,738 alleles (0.0086%); highest among the groups gnomAD compares: Non-Finnish European, 0.011%; no homozygotes.

Submissions (2):

Ambry Genetics
Classification: Uncertain significance. Last evaluated: 2024-07-22. Review status: criteria provided, single submitter. Criteria: Ambry Variant Classification Scheme 2023. Collection method: clinical testing. Allele origin: germline.

CeGaT Center for Human Genetics Tuebingen
Classification: Likely benign. Last evaluated: 2022-04-01. Review status: criteria provided, single submitter. Criteria: CeGaT Center For Human Genetics Tuebingen Variant Classification Criteria Version 2. Collection method: clinical testing. Allele origin: germline. Affected: yes. Observed: 1 variant allele.
Comment: FLII: BP4